The following is an entry in ClinVar:

NM_030665.4(RAI1):c.4830A>G (p.Ile1610Met)

Gene: RAI1 (retinoic acid induced 1; plus strand). Cytogenetic location: 17p11.2.
Variant type: single nucleotide variant.
Coding change: c.4830A>G on transcript NM_030665.4 (MANE Select); coding-DNA position 4830, A replaced by G.
Protein change: p.Ile1610Met; replaces isoleucine 1610 with methionine.
Molecular consequence: missense variant.
Genome position (GRCh38, 1-based): chr17:17,797,778, A>G. VCF-style: chr17-17797778-A-G. GRCh37 (hg19) VCF-style: chr17-17701092-A-G.
Other names: short protein forms I1610M.
Identifiers: ClinVar variation 3351474 (VCV003351474.2).
Genomic context (GRCh38, chr17:17,797,778, plus strand): 5'-CCGGACCCCCGCCTTCTCACCCTTCGTGCGGGTGGAGAAGCGAGACGCGTTCACCACCAT[A>G]TGCACTGTTGTCAACTCCCCTGGAGATGCGCCCAAGCCCCACAGGAAGCCTTCCTCCTCT-3'
Protein context (NP_109590.3, residues 1600-1620): RVEKRDAFTT[Ile1610Met]CTVVNSPGDA

ClinVar aggregate classification (germline): Uncertain significance. Review status: criteria provided, single submitter (1 of 4 stars). 2 submissions from 2 submitters: Uncertain significance (1). 1 of the submissions does not count toward it. Last evaluated 2024-12-16.

Conditions:
RAI1-related disorder. Also called: RAI1-related condition.
Inborn genetic diseases. Identifiers: MedGen C0950123, MeSH D030342.

gnomAD v4.1: 4 of 1,613,874 alleles (0.00025%); highest among the groups gnomAD compares: Admixed American, 0.0033%; no homozygotes.

Submissions (2):

Ambry Genetics
Classification: Uncertain significance for Inborn genetic diseases. Last evaluated: 2024-12-16. Review status: criteria provided, single submitter. Criteria: Ambry Variant Classification Scheme 2023. Collection method: clinical testing. Allele origin: germline.

PreventionGenetics, part of Exact Sciences
Classification: Uncertain significance for RAI1-related condition. Last evaluated: 2024-06-28. Review status: no assertion criteria provided. Collection method: clinical testing. Allele origin: germline. Not counted in ClinVar's aggregate classification.
Comment: The RAI1 c.4830A>G variant is predicted to result in the amino acid substitution p.Ile1610Met. To our knowledge, this variant has not been reported in the literature. This variant is reported in 0.0029% of alleles in individuals of Latino descent in gnomAD. At this time, the clinical significance of this variant is uncertain due to the absence of conclusive functional and genetic evidence.